The following is an entry in ClinVar:

NM_002168.4(IDH2):c.823A>C (p.Lys275Gln)

Gene: IDH2 (isocitrate dehydrogenase (NADP(+)) 2; minus strand). Cytogenetic location: 15q26.1.
Variant type: single nucleotide variant.
Coding change: c.823A>C on transcript NM_002168.4 (MANE Select); coding-DNA position 823, A replaced by C.
Protein change: p.Lys275Gln; replaces lysine 275 with glutamine.
Molecular consequence: missense variant.
Genome position (GRCh38, 1-based): chr15:90,087,256, T>G on the plus strand (A>C on the coding strand, the complement: IDH2 is on the minus strand). VCF-style: chr15-90087256-T-G. GRCh37 (hg19) VCF-style: chr15-90630488-T-G.
Other names: c.667A>C, p.Lys223Gln (NM_001289910.1); c.433A>C, p.Lys145Gln (NM_001290114.2); short protein forms K145Q, K223Q, K275Q.
Identifiers: ClinVar variation 2662791 (VCV002662791.1), dbSNP rs2505788493, ClinGen allele CA393801509.

ClinVar aggregate classification (germline): Uncertain significance (1 of 4 stars; one submission).

Submission:

GeneDx
Classification: Uncertain significance. Last evaluated: 2023-04-11. Review status: criteria provided, single submitter. Criteria: GeneDx Variant Classification Process June 2021. Collection method: clinical testing. Allele origin: germline. Affected: yes.
Comment: Published functional studies suggest that this variant results in impairment of isocitrate dehydrogenase activity relative to wildtype, however additional studies are needed to validate the functional effect of this variant in vivo (Xu et al., 2017); In silico analysis supports that this missense variant has a deleterious effect on protein structure/function and splice predictors indicate that the variant may lead to abnormal gene splicing; Not observed at significant frequency in large population cohorts (gnomAD); This variant is associated with the following publications: (PMID: 28852116)